The following is an entry in ClinVar:

ClinVar aggregate classification (germline): Uncertain significance (1 of 4 stars; one submission).

Conditions:
SOX7-related disorder. Also called: SOX7-related condition.

Submission:

Clinical Genomics Laboratory, Washington University in St. Louis
Classification: Uncertain significance for SOX7-related disorder. Last evaluated: 2025-11-29. Review status: criteria provided, single submitter. Criteria: ACMG Guidelines, 2015. Collection method: clinical testing. Allele origin: germline.
Comment: The SOX7 c.737A>G (p.Tyr246Cys) variant, to our knowledge, has not been reported in the medical literature. This variant is only observed in 1/1,607,408 alleles in the general population (gnomAD v.4.1.0), indicating it is not a common variant. Computational predictors are uncertain as to the impact of this variant on SOX7 function. Due to limited information, the clinical significance of this variant is uncertain.

Literature cited by the submitters: PubMed 35422912.

NM_031439.4(SOX7):c.737A>G (p.Tyr246Cys)

Gene: SOX7 (SRY-box transcription factor 7). Cytogenetic location: 8p23.1.
Variant type: single nucleotide variant.
Coding change: c.737A>G on transcript NM_031439.4 (MANE Select); coding-DNA position 737, A replaced by G.
Protein change: p.Tyr246Cys; replaces tyrosine 246 with cysteine.
Molecular consequence: missense variant.
Genome position (GRCh38, 1-based): chr8:10,726,168, T>C on the plus strand (A>G on the coding strand, the complement: SOX7 is on the minus strand). VCF-style: chr8-10726168-T-C. GRCh37 (hg19) VCF-style: chr8-10583678-T-C.
Other names: short protein forms Y246C.
Identifiers: ClinVar variation 4879535 (VCV004879535.1).